The following is an entry in ClinVar:

NM_016507.4(CDK12):c.2099A>G (p.Lys700Arg)

Gene: CDK12 (cyclin dependent kinase 12; plus strand). Cytogenetic location: 17q12.
Variant type: single nucleotide variant.
Coding change: c.2099A>G on transcript NM_016507.4 (MANE Select); coding-DNA position 2099, A replaced by G.
Protein change: p.Lys700Arg; replaces lysine 700 with arginine.
Molecular consequence: missense variant.
Genome position (GRCh38, 1-based): chr17:39,490,724, A>G. VCF-style: chr17-39490724-A-G. GRCh37 (hg19) VCF-style: chr17-37646977-A-G.
Other names: c.2099A>G, p.Lys700Arg (NM_015083.4); short protein forms K700R.
Identifiers: ClinVar variation 3999326 (VCV003999326.1).

ClinVar aggregate classification (germline): Uncertain significance (1 of 4 stars; one submission).

Submission:

Ambry Genetics
Classification: Uncertain significance. Last evaluated: 2025-04-05. Review status: criteria provided, single submitter. Criteria: Ambry Variant Classification Scheme 2023. Collection method: clinical testing. Allele origin: germline.
Comment: The p.K700R variant (also known as c.2099A>G), located in coding exon 3 of the CDK12 gene, results from an A to G substitution at nucleotide position 2099. The lysine at codon 700 is replaced by arginine, an amino acid with highly similar properties. This amino acid position is conserved. In addition, this alteration is predicted to be tolerated by in silico analysis. Based on the available evidence, the clinical significance of this variant remains unclear.